The following is an entry in ClinVar:

ClinVar aggregate classification (germline): Uncertain significance (1 of 4 stars; one submission).

Conditions:
Inborn genetic diseases. Identifiers: MedGen C0950123, MeSH D030342.

gnomAD v4.1: 3 of 1,614,168 alleles (0.00019%); highest among the groups gnomAD compares: Non-Finnish European, 0.00025%; no homozygotes.

Submission:

Ambry Genetics
Classification: Uncertain significance for Inborn genetic diseases. Last evaluated: 2024-12-12. Review status: criteria provided, single submitter. Criteria: Ambry Variant Classification Scheme 2023. Collection method: clinical testing. Allele origin: germline.
Comment: The p.N334D variant (also known as c.1000A>G), located in coding exon 3 of the MBD4 gene, results from an A to G substitution at nucleotide position 1000. The asparagine at codon 334 is replaced by aspartic acid, an amino acid with highly similar properties. This amino acid position is conserved. In addition, this alteration is predicted to be tolerated by in silico analysis. Based on the available evidence, the clinical significance of this variant remains unclear.

NM_001276270.2(MBD4):c.1000A>G (p.Asn334Asp)

Gene: MBD4 (methyl-CpG binding domain 4, DNA glycosylase; minus strand). Cytogenetic location: 3q21.3.
Variant type: single nucleotide variant.
Coding change: c.1000A>G on transcript NM_001276270.2 (MANE Select); coding-DNA position 1000, A replaced by G.
Protein change: p.Asn334Asp; replaces asparagine 334 with aspartic acid.
Molecular consequence: missense variant. On other transcripts: intron variant (1).
Genome position (GRCh38, 1-based): chr3:129,436,644, T>C on the plus strand (A>G on the coding strand, the complement: MBD4 is on the minus strand). VCF-style: chr3-129436644-T-C. GRCh37 (hg19) VCF-style: chr3-129155487-T-C.
Other names: c.1000A>G, p.Asn334Asp (NM_001276271.2, NM_001276272.2, NM_003925.3); c.247+1164A>G (NM_001276273.2); short protein forms N334D.
Identifiers: ClinVar variation 3870851 (VCV003870851.1).